The following is an entry in ClinVar:

ClinVar aggregate classification (germline): Uncertain significance (1 of 4 stars; one submission).

Conditions:
LIPA-related disorder. Also called: LIPA-related disorders; LIPA-related condition.

gnomAD v4.1: 2 of 1,614,188 alleles (0.00012%); highest among the groups gnomAD compares: Middle Eastern, 0.016%; no homozygotes.

Submission:

PreventionGenetics, part of Exact Sciences
Classification: Uncertain significance for LIPA-related condition. Last evaluated: 2024-12-09. Review status: criteria provided, single submitter. Criteria: ACMG Guidelines, 2015. Collection method: clinical testing. Allele origin: germline.
Comment: The LIPA c.607G>A variant is predicted to result in the amino acid substitution p.Val203Met. To our knowledge, this variant has not been reported in the literature. This variant is reported in 0.0033% of alleles in individuals of South Asian descent in gnomAD. At this time, the clinical significance of this variant is uncertain due to the absence of conclusive functional and genetic evidence.

NM_000235.4(LIPA):c.607G>A (p.Val203Met)

Gene: LIPA (lipase A, lysosomal acid type; minus strand). Cytogenetic location: 10q23.31.
Variant type: single nucleotide variant.
Coding change: c.607G>A on transcript NM_000235.4 (MANE Select); coding-DNA position 607, G replaced by A.
Protein change: p.Val203Met; replaces valine 203 with methionine.
Molecular consequence: missense variant.
Genome position (GRCh38, 1-based): chr10:89,225,160, C>T on the plus strand (G>A on the coding strand, the complement: LIPA is on the minus strand). VCF-style: chr10-89225160-C-T. GRCh37 (hg19) VCF-style: chr10-90984917-C-T.
Other names: c.607G>A, p.Val203Met (NM_001127605.3, NM_001440818.1, NM_001440819.1 and 16 more transcripts); c.259G>A, p.Val87Met (NM_001288979.2); c.739G>A, p.Val247Met (NM_001440836.1); c.628G>A, p.Val210Met (NM_001440837.1); c.622G>A, p.Val208Met (NM_001440838.1); c.439G>A, p.Val147Met (NM_001440839.1); short protein forms V203M, V210M, V247M, V208M, V87M, V147M.
Identifiers: ClinVar variation 4980595 (VCV004980595.1).